The following is an entry in ClinVar:

ClinVar aggregate classification (germline): Uncertain significance. Review status: criteria provided, multiple submitters, no conflicts (2 of 4 stars). 2 submissions from 2 submitters: Uncertain significance (2). Last evaluated 2025-08-15.

Allele frequency attached by ClinVar (database versions not stated): TOPMed 0.00001; gnomAD 0.00001.
gnomAD v4.1: 3 of 1,613,860 alleles (0.00019%); highest among the groups gnomAD compares: African/African-American, 0.0013%; no homozygotes.

Submissions (2):

GeneDx
Classification: Uncertain significance. Last evaluated: 2025-08-15. Review status: criteria provided, single submitter. Criteria: GeneDx Variant Classification Process June 2021. Collection method: clinical testing. Allele origin: germline. Affected: yes.
Comment: Not observed at significant frequency in large population cohorts (gnomAD); In silico analysis suggests that this missense variant does not alter protein structure/function; Has not been previously published as pathogenic or benign to our knowledge

Labcorp Genetics (formerly Invitae), Labcorp
Classification: Uncertain significance. Last evaluated: 2025-08-11. Review status: criteria provided, single submitter. Criteria: Invitae Variant Classification Sherloc (09022015). Collection method: clinical testing. Allele origin: germline.
Comment: This sequence change replaces aspartic acid, which is acidic and polar, with asparagine, which is neutral and polar, at codon 106 of the GATAD2B protein (p.Asp106Asn). This variant is not present in population databases (gnomAD no frequency). This variant has not been reported in the literature in individuals affected with GATAD2B-related conditions. ClinVar contains an entry for this variant (Variation ID: 1448739). Invitae Evidence Modeling of protein sequence and biophysical properties (such as structural, functional, and spatial information, amino acid conservation, physicochemical variation, residue mobility, and thermodynamic stability) has been performed for this missense variant. However, the output from this modeling did not meet the statistical confidence thresholds required to predict the impact of this variant on GATAD2B protein function. In summary, the available evidence is currently insufficient to determine the role of this variant in disease. Therefore, it has been classified as a Variant of Uncertain Significance.

NM_020699.4(GATAD2B):c.316G>A (p.Asp106Asn)

Gene: GATAD2B (GATA zinc finger domain containing 2B; minus strand). Cytogenetic location: 1q21.3.
Variant type: single nucleotide variant.
Coding change: c.316G>A on transcript NM_020699.4 (MANE Select); coding-DNA position 316, G replaced by A.
Protein change: p.Asp106Asn; replaces aspartic acid 106 with asparagine.
Molecular consequence: missense variant.
Genome position (GRCh38, 1-based): chr1:153,828,032, C>T on the plus strand (G>A on the coding strand, the complement: GATAD2B is on the minus strand). VCF-style: chr1-153828032-C-T. GRCh37 (hg19) VCF-style: chr1-153800508-C-T.
Other names: c.316G>A (NM_020699.2); short protein forms D106N.
Identifiers: ClinVar variation 1448739 (VCV001448739.9), dbSNP rs1674943604, ClinGen allele CA342539857.
Genomic context (GRCh38, chr1:153,828,032, plus strand): 5'-GAGACGACCCTATCCCTGGAGGCAGCTGAACTGAGCCATACCTCCGTCTAGCACTCATAT[C>T]CACAGGCTCATCATTGATGTTTTCTTTGCCTGGCCTTCCAGCAGTCCTGTTGTCTCCATG-3'
Protein context (NP_065750.1, residues 96-116): GKENINDEPV[Asp106Asn]MSARRSEPER